The following is an entry in ClinVar:

NM_001220.5(CAMK2B):c.1936C>T (p.Arg646Cys)

Gene: CAMK2B (calcium/calmodulin dependent protein kinase II beta; minus strand). Cytogenetic location: 7p13.
Variant type: single nucleotide variant.
Coding change: c.1936C>T on transcript NM_001220.5 (MANE Select); coding-DNA position 1936, C replaced by T.
Protein change: p.Arg646Cys; replaces arginine 646 with cysteine.
Molecular consequence: missense variant.
Genome position (GRCh38, 1-based): chr7:44,220,127, G>A on the plus strand (C>T on the coding strand, the complement: CAMK2B is on the minus strand). VCF-style: chr7-44220127-G-A. GRCh37 (hg19) VCF-style: chr7-44259726-G-A.
Other names: c.1564C>T, p.Arg522Cys (NM_001293170.2, NM_172078.3); c.1492C>T, p.Arg498Cys (NM_172079.3); c.1489C>T, p.Arg497Cys (NM_172080.3); c.1447C>T, p.Arg483Cys (NM_172081.3); c.1414C>T, p.Arg472Cys (NM_172082.3); c.1375C>T, p.Arg459Cys (NM_172083.3); c.1285C>T, p.Arg429Cys (NM_172084.3); short protein forms R429C, R459C, R472C, R483C, R497C, R498C, R522C, R646C.
Identifiers: ClinVar variation 1314382 (VCV001314382.29), dbSNP rs773282618, ClinGen allele CA4240058.

ClinVar aggregate classification (germline): Uncertain significance. Review status: criteria provided, multiple submitters, no conflicts (2 of 4 stars). 4 submissions from 4 submitters: Uncertain significance (4). Last evaluated 2024-12-02.

Allele frequency attached by ClinVar (database versions not stated): gnomAD exomes below 0.00001 and 0.00001; ExAC 0.00001; gnomAD 0.00001; TOPMed 0.00001.
gnomAD v4.1: 5 of 1,611,844 alleles (0.00031%); highest among the groups gnomAD compares: African/African-American, 0.0013%; no homozygotes.

Submissions (4):

Labcorp Genetics (formerly Invitae), Labcorp
Classification: Uncertain significance. Last evaluated: 2024-12-02. Review status: criteria provided, single submitter. Criteria: Invitae Variant Classification Sherloc (09022015). Collection method: clinical testing. Allele origin: germline.
Comment: This sequence change replaces arginine, which is basic and polar, with cysteine, which is neutral and slightly polar, at codon 646 of the CAMK2B protein (p.Arg646Cys). The frequency data for this variant in the population databases is considered unreliable, as metrics indicate poor data quality at this position in the gnomAD database. This variant has not been reported in the literature in individuals affected with CAMK2B-related conditions. ClinVar contains an entry for this variant (Variation ID: 1314382). An algorithm developed to predict the effect of missense changes on protein structure and function (PolyPhen-2) suggests that this variant is likely to be tolerated. In summary, the available evidence is currently insufficient to determine the role of this variant in disease. Therefore, it has been classified as a Variant of Uncertain Significance.

Blueprint Genetics
Classification: Uncertain significance. Last evaluated: 2024-08-27. Review status: criteria provided, single submitter. Criteria: ACMG Guidelines, 2015. Collection method: clinical testing. Allele origin: germline.

CeGaT Center for Human Genetics Tuebingen
Classification: Uncertain significance. Last evaluated: 2024-08-01. Review status: criteria provided, single submitter. Criteria: CeGaT Center For Human Genetics Tuebingen Variant Classification Criteria Version 2. Collection method: clinical testing. Allele origin: germline. Affected: yes. Observed: 1 variant allele.

GeneDx
Classification: Uncertain significance. Last evaluated: 2021-04-07. Review status: criteria provided, single submitter. Criteria: GeneDx Variant Classification Process June 2021. Collection method: clinical testing. Allele origin: germline. Affected: yes.
Comment: In silico analysis supports that this missense variant has a deleterious effect on protein structure/function; Has not been previously published as pathogenic or benign to our knowledge